The following is an entry in ClinVar:

NM_015072.5(TTLL5):c.3841A>T (p.Ile1281Leu)

Gene: TTLL5 (tubulin tyrosine ligase like 5; plus strand). Cytogenetic location: 14q24.3.
Variant type: single nucleotide variant.
Coding change: c.3841A>T on transcript NM_015072.5 (MANE Select); coding-DNA position 3841, A replaced by T.
Protein change: p.Ile1281Leu; replaces isoleucine 1281 with leucine.
Molecular consequence: missense variant.
Genome position (GRCh38, 1-based): chr14:75,954,441, A>T. VCF-style: chr14-75954441-A-T. GRCh37 (hg19) VCF-style: chr14-76420784-A-T.
Other names: short protein forms I1281L.
Identifiers: ClinVar variation 1476522 (VCV001476522.8), dbSNP rs1320365250, ClinGen allele CA390466198.

ClinVar aggregate classification (germline): Uncertain significance (1 of 4 stars; one submission).

Submission:

Labcorp Genetics (formerly Invitae), Labcorp
Classification: Uncertain significance. Last evaluated: 2024-07-01. Review status: criteria provided, single submitter. Criteria: Invitae Variant Classification Sherloc (09022015). Collection method: clinical testing. Allele origin: germline.
Comment: This sequence change replaces isoleucine, which is neutral and non-polar, with leucine, which is neutral and non-polar, at codon 1281 of the TTLL5 protein (p.Ile1281Leu). This variant is present in population databases (no rsID available, gnomAD 0.006%). This variant has not been reported in the literature in individuals affected with TTLL5-related conditions. ClinVar contains an entry for this variant (Variation ID: 1476522). An algorithm developed to predict the effect of missense changes on protein structure and function (PolyPhen-2) suggests that this variant is likely to be tolerated. In summary, the available evidence is currently insufficient to determine the role of this variant in disease. Therefore, it has been classified as a Variant of Uncertain Significance.